The following is an entry in ClinVar:

ClinVar aggregate classification (germline): Uncertain significance. Review status: criteria provided, multiple submitters, no conflicts (2 of 4 stars). 2 submissions from 2 submitters: Uncertain significance (2). Last evaluated 2026-02-01.

Allele frequency attached by ClinVar (database versions not stated): gnomAD exomes below 0.00001 and 0.00001; TOPMed 0.00001; ExAC 0.00002; gnomAD 0.00003; ESP Exome Variant Server 0.00008.
gnomAD v4.1: 7 of 1,612,420 alleles (0.00043%); highest among the groups gnomAD compares: African/African-American, 0.008%; no homozygotes.

Submissions (2):

CeGaT Center for Human Genetics Tuebingen
Classification: Uncertain significance. Last evaluated: 2026-02-01. Review status: criteria provided, single submitter. Criteria: CeGaT Center For Human Genetics Tuebingen Variant Classification Criteria Version 2. Collection method: clinical testing. Allele origin: germline. Affected: yes. Observed: 1 variant allele.
Comment: FGFR3: PM2, BP4

Labcorp Genetics (formerly Invitae), Labcorp
Classification: Uncertain significance. Last evaluated: 2022-07-12. Review status: criteria provided, single submitter. Criteria: Invitae Variant Classification Sherloc (09022015). Collection method: clinical testing. Allele origin: germline.
Comment: In summary, the available evidence is currently insufficient to determine the role of this variant in disease. Therefore, it has been classified as a Variant of Uncertain Significance. Algorithms developed to predict the effect of missense changes on protein structure and function output the following: SIFT: "Tolerated"; PolyPhen-2: "Benign"; Align-GVGD: "Class C0". The valine amino acid residue is found in multiple mammalian species, which suggests that this missense change does not adversely affect protein function. ClinVar contains an entry for this variant (Variation ID: 1679987). This variant has not been reported in the literature in individuals affected with FGFR3-related conditions. This variant is present in population databases (rs373818958, gnomAD 0.01%). This sequence change replaces methionine, which is neutral and non-polar, with valine, which is neutral and non-polar, at codon 69 of the FGFR3 protein (p.Met69Val).

NM_000142.5(FGFR3):c.205A>G (p.Met69Val)

Gene: FGFR3 (fibroblast growth factor receptor 3; plus strand). Cytogenetic location: 4p16.3.
Variant type: single nucleotide variant.
Coding change: c.205A>G on transcript NM_000142.5 (MANE Select); coding-DNA position 205, A replaced by G.
Protein change: p.Met69Val; replaces methionine 69 with valine.
Molecular consequence: missense variant. On other transcripts: non-coding transcript variant (1).
Genome position (GRCh38, 1-based): chr4:1,799,349, A>G. VCF-style: chr4-1799349-A-G. GRCh37 (hg19) VCF-style: chr4-1801076-A-G.
Other names: c.205A>G, p.Met69Val (NM_001163213.2, NM_001354809.2, NM_001354810.2 and 1 more transcripts); short protein forms M69V.
Identifiers: ClinVar variation 1679987 (VCV001679987.12), dbSNP rs373818958, ClinGen allele CA2809748.